The following is an entry in ClinVar:

NM_001367721.1(CASK):c.80G>A (p.Arg27Gln)

Gene: CASK (calcium/calmodulin dependent serine protein kinase; minus strand). Cytogenetic location: Xp11.4.
Variant type: single nucleotide variant.
Coding change: c.80G>A on transcript NM_001367721.1 (MANE Select); coding-DNA position 80, G replaced by A.
Protein change: p.Arg27Gln; replaces arginine 27 with glutamine.
Molecular consequence: missense variant.
Genome position (GRCh38, 1-based): chrX:41,853,207, C>T on the plus strand (G>A on the coding strand, the complement: CASK is on the minus strand). VCF-style: chrX-41853207-C-T. GRCh37 (hg19) VCF-style: chrX-41712460-C-T.
Other names: c.80G>A, p.Arg27Gln (NM_001126054.3, NM_001126055.3, NM_001410745.1 and 1 more transcripts); c.80G>A (NM_003688.3); short protein forms R27Q.
Identifiers: ClinVar variation 4809396 (VCV004809396.2).

ClinVar aggregate classification (germline): Uncertain significance. Review status: criteria provided, multiple submitters, no conflicts (2 of 4 stars). 2 submissions from 2 submitters: Uncertain significance (2). Last evaluated 2025-11-19.

Conditions:
Intellectual disability, CASK-related, X-linked. Identifiers: MedGen CN043158.
CASK-related disorder. Also called: CASK-related disorders; CASK-related condition.

Submissions (2):

PreventionGenetics, part of Exact Sciences
Classification: Uncertain significance for CASK-related condition. Last evaluated: 2025-11-19. Review status: criteria provided, single submitter. Criteria: ACMG Guidelines, 2015. Collection method: clinical testing. Allele origin: germline.
Comment: The CASK c.80G>A variant is predicted to result in the amino acid substitution p.Arg27Gln. To our knowledge, this variant has not been reported in the literature or in a large population database (gnomAD), indicating this variant is rare. At this time, the clinical significance of this variant is uncertain due to the absence of conclusive functional and genetic evidence.

Labcorp Genetics (formerly Invitae), Labcorp
Classification: Uncertain significance for Intellectual disability, CASK-related, X-linked. Last evaluated: 2025-07-23. Review status: criteria provided, single submitter. Criteria: Invitae Variant Classification Sherloc (09022015). Collection method: clinical testing. Allele origin: germline.
Comment: This sequence change replaces arginine, which is basic and polar, with glutamine, which is neutral and polar, at codon 27 of the CASK protein (p.Arg27Gln). This variant is not present in population databases (gnomAD no frequency). This variant has not been reported in the literature in individuals affected with CASK-related conditions. Invitae Evidence Modeling of protein sequence and biophysical properties (such as structural, functional, and spatial information, amino acid conservation, physicochemical variation, residue mobility, and thermodynamic stability) indicates that this missense variant is not expected to disrupt CASK protein function with a negative predictive value of 80%. In summary, the available evidence is currently insufficient to determine the role of this variant in disease. Therefore, it has been classified as a Variant of Uncertain Significance.